The following is an entry in ClinVar:

NM_000918.4(P4HB):c.1199G>A (p.Cys400Tyr)

Gene: P4HB (prolyl 4-hydroxylase subunit beta; minus strand). Cytogenetic location: 17q25.3.
Variant type: single nucleotide variant.
Coding change: c.1199G>A on transcript NM_000918.4 (MANE Select); coding-DNA position 1199, G replaced by A.
Protein change: p.Cys400Tyr; replaces cysteine 400 with tyrosine.
Molecular consequence: missense variant.
Genome position (GRCh38, 1-based): chr17:81,845,721, C>T on the plus strand (G>A on the coding strand, the complement: P4HB is on the minus strand). VCF-style: chr17-81845721-C-T. GRCh37 (hg19) VCF-style: chr17-79803597-C-T.
Other names: short protein forms C400Y.
Identifiers: ClinVar variation 425148 (VCV000425148.5), dbSNP rs1064797228, ClinGen allele CA16621714.
Genomic context (GRCh38, chr17:81,845,721, plus strand): 5'-ATGTTCTCATGGTCCTTGTACGTCTCTCCCAGTTTATCCCAAATGGGAGCCAACTGTTTG[C>T]AGTGACCACACCATGGGGCATCTGAAAAGAAAGCAGTTCTAGGGTGTGTCCTGGACACAA-3'
Protein context (NP_000909.2, residues 390-410): VEFYAPWCGH[Cys400Tyr]KQLAPIWDKL

ClinVar aggregate classification (germline): Uncertain significance. Review status: criteria provided, multiple submitters, no conflicts (2 of 4 stars). 2 submissions from 2 submitters: Uncertain significance (2). Last evaluated 2025-09-10.

Submissions (2):

Labcorp Genetics (formerly Invitae), Labcorp
Classification: Uncertain significance. Last evaluated: 2025-09-10. Review status: criteria provided, single submitter. Criteria: Invitae Variant Classification Sherloc (09022015). Collection method: clinical testing. Allele origin: germline.
Comment: This sequence change replaces cysteine, which is neutral and slightly polar, with tyrosine, which is neutral and polar, at codon 400 of the P4HB protein (p.Cys400Tyr). This variant is not present in population databases (gnomAD no frequency). This missense change has been observed in individual(s) with clinical features of P4HB-related conditions (internal data). ClinVar contains an entry for this variant (Variation ID: 425148). Invitae Evidence Modeling of protein sequence and biophysical properties (such as structural, functional, and spatial information, amino acid conservation, physicochemical variation, residue mobility, and thermodynamic stability) indicates that this missense variant is expected to disrupt P4HB protein function with a positive predictive value of 80%. This variant disrupts the p.Cys400 amino acid residue in P4HB. Other variant(s) that disrupt this residue have been determined to be pathogenic (PMID: 30913006; internal data). This suggests that this residue is clinically significant, and that variants that disrupt this residue are likely to be disease-causing. In summary, the available evidence is currently insufficient to determine the role of this variant in disease. Therefore, it has been classified as a Variant of Uncertain Significance.

CeGaT Center for Human Genetics Tuebingen
Classification: Uncertain significance. Last evaluated: 2016-11-30. Review status: criteria provided, single submitter. Criteria: Praxis fuer Humangenetik Tuebingen - Variant Classification Criteria. Collection method: clinical testing. Allele origin: germline. Affected: yes. Observed: 1 variant allele.

Literature cited by the submitters: PubMed 30913006 (cited by Labcorp Genetics (formerly Invitae), Labcorp).